The following is an entry in ClinVar:

ClinVar aggregate classification (germline): Uncertain significance. Review status: criteria provided, multiple submitters, no conflicts (2 of 4 stars). 3 submissions from 3 submitters: Uncertain significance (3). Last evaluated 2025-03-25.

Conditions:
Familial melanoma. Also called: Hereditary melanoma; Hereditary cutaneous melanoma. Identifiers: Orphanet 618, MedGen C1512419, MONDO:0018961.
Hereditary cancer-predisposing syndrome. Also called: Hereditary neoplastic syndrome; Tumor predisposition; Neoplastic Syndromes, Hereditary; Hereditary Cancer Syndrome. Identifiers: Orphanet 140162, MedGen C0027672, MeSH D009386, MONDO:0015356.

Allele frequency attached by ClinVar (database versions not stated): gnomAD exomes below 0.00001; ExAC 0.00001.
gnomAD v4.1: 1 of 1,614,120 alleles (0.000062%); highest among the groups gnomAD compares: East Asian, 0.0022%; no homozygotes.

Submissions (3):

Labcorp Genetics (formerly Invitae), Labcorp
Classification: Uncertain significance for Familial melanoma. Last evaluated: 2025-03-25. Review status: criteria provided, single submitter. Criteria: Invitae Variant Classification Sherloc (09022015). Collection method: clinical testing. Allele origin: germline.
Comment: This sequence change replaces alanine, which is neutral and non-polar, with threonine, which is neutral and polar, at codon 133 of the CDK4 protein (p.Ala133Thr). This variant is present in population databases (rs751684879, gnomAD 0.006%). This variant has not been reported in the literature in individuals affected with CDK4-related conditions. ClinVar contains an entry for this variant (Variation ID: 419167). Invitae Evidence Modeling of protein sequence and biophysical properties (such as structural, functional, and spatial information, amino acid conservation, physicochemical variation, residue mobility, and thermodynamic stability) indicates that this missense variant is not expected to disrupt CDK4 protein function with a negative predictive value of 95%. In summary, the available evidence is currently insufficient to determine the role of this variant in disease. Therefore, it has been classified as a Variant of Uncertain Significance.

Ambry Genetics
Classification: Uncertain significance for Hereditary cancer-predisposing syndrome. Last evaluated: 2024-09-01. Review status: criteria provided, single submitter. Criteria: Ambry Variant Classification Scheme 2023. Collection method: clinical testing. Allele origin: germline.
Comment: The p.A133T variant (also known as c.397G>A), located in coding exon 3 of the CDK4 gene, results from a G to A substitution at nucleotide position 397. The alanine at codon 133 is replaced by threonine, an amino acid with similar properties. This amino acid position is not well conserved in available vertebrate species. In addition, this alteration is predicted to be tolerated by in silico analysis. Since supporting evidence is limited at this time, the clinical significance of this alteration remains unclear.

GeneDx
Classification: Uncertain significance. Last evaluated: 2024-05-24. Review status: criteria provided, single submitter. Criteria: GeneDx Variant Classification Process June 2021. Collection method: clinical testing. Allele origin: germline. Affected: yes.
Comment: Not observed at significant frequency in large population cohorts (gnomAD); In silico analysis indicates that this missense variant does not alter protein structure/function; Has not been previously published as pathogenic or benign to our knowledge

NM_000075.4(CDK4):c.397G>A (p.Ala133Thr)

Gene: CDK4 (cyclin dependent kinase 4; minus strand). Cytogenetic location: 12q14.1.
Variant type: single nucleotide variant.
Coding change: c.397G>A on transcript NM_000075.4 (MANE Select); coding-DNA position 397, G replaced by A.
Protein change: p.Ala133Thr; replaces alanine 133 with threonine.
Molecular consequence: missense variant.
Genome position (GRCh38, 1-based): chr12:57,751,048, C>T on the plus strand (G>A on the coding strand, the complement: CDK4 is on the minus strand). VCF-style: chr12-57751048-C-T. GRCh37 (hg19) VCF-style: chr12-58144831-C-T.
Other names: c.397G>A (LRG_490t1); short protein forms A133T.
Identifiers: ClinVar variation 419167 (VCV000419167.19), dbSNP rs751684879, ClinGen allele CA6657812.